The following is an entry in ClinVar:

NM_001256864.2(DNAJC6):c.2351C>T (p.Ala784Val)

Gene: DNAJC6 (DnaJ heat shock protein family (Hsp40) member C6; plus strand). Cytogenetic location: 1p31.3.
Variant type: single nucleotide variant.
Coding change: c.2351C>T on transcript NM_001256864.2 (MANE Select); coding-DNA position 2351, C replaced by T.
Protein change: p.Ala784Val; replaces alanine 784 with valine.
Molecular consequence: missense variant.
Genome position (GRCh38, 1-based): chr1:65,405,993, C>T. VCF-style: chr1-65405993-C-T. GRCh37 (hg19) VCF-style: chr1-65871676-C-T.
Other names: c.2141C>T, p.Ala714Val (NM_001256865.2); c.2180C>T, p.Ala727Val (NM_014787.4); short protein forms A784V, A714V, A727V.
Identifiers: ClinVar variation 1909404 (VCV001909404.4), dbSNP rs935798985, ClinGen allele CA24366758.
Genomic context (GRCh38, chr1:65,405,993, plus strand): 5'-TCAGCTCGCCACAGAAGGCGTCTCCCCAGCCTATGGGTGGCGGGTGGCAGCAGGGAGGTG[C>T]CTACAACTGGCAGCAGCCACAGCCTAAGCCTCAGCCCAGCATGCCCCACTCCTCTCCCCA-3'
Protein context (NP_001243793.1, residues 774-794): PMGGGWQQGG[Ala784Val]YNWQQPQPKP

ClinVar aggregate classification (germline): Uncertain significance (1 of 4 stars; one submission).

Conditions:
Juvenile onset Parkinson disease 19A. Also called: PARK19; DNAJC6 Parkinson Disease. Identifiers: Orphanet 391411, MedGen C3809811, MONDO:0014231, OMIM 615528.

Allele frequency attached by ClinVar (database versions not stated): gnomAD exomes below 0.00001; gnomAD 0.00001; TOPMed 0.00002.
gnomAD v4.1: 6 of 1,614,074 alleles (0.00037%); highest among the groups gnomAD compares: Admixed American, 0.0067%; no homozygotes.

Submission:

Labcorp Genetics (formerly Invitae), Labcorp
Classification: Uncertain significance for Juvenile onset Parkinson disease 19A. Last evaluated: 2023-02-08. Review status: criteria provided, single submitter. Criteria: Invitae Variant Classification Sherloc (09022015). Collection method: clinical testing. Allele origin: germline.
Comment: In summary, the available evidence is currently insufficient to determine the role of this variant in disease. Therefore, it has been classified as a Variant of Uncertain Significance. Algorithms developed to predict the effect of missense changes on protein structure and function (SIFT, PolyPhen-2, Align-GVGD) all suggest that this variant is likely to be tolerated. This variant has not been reported in the literature in individuals affected with DNAJC6-related conditions. This variant is present in population databases (no rsID available, gnomAD 0.003%). This sequence change replaces alanine, which is neutral and non-polar, with valine, which is neutral and non-polar, at codon 784 of the DNAJC6 protein (p.Ala784Val).